The following is an entry in ClinVar:

ClinVar aggregate classification (germline): Uncertain significance (1 of 4 stars; one submission).

Conditions:
Oligodontia-cancer predisposition syndrome. Also called: TOOTH AGENESIS-COLORECTAL CANCER SYNDROME. Identifiers: Orphanet 300576, MedGen C1837750, MONDO:0012075, OMIM 608615. Disease mechanism: loss of function.

Submission:

Labcorp Genetics (formerly Invitae), Labcorp
Classification: Uncertain significance for Oligodontia-cancer predisposition syndrome. Last evaluated: 2020-11-16. Review status: criteria provided, single submitter. Criteria: Invitae Variant Classification Sherloc (09022015). Collection method: clinical testing. Allele origin: germline.
Comment: This sequence change replaces glutamic acid with valine at codon 233 of the AXIN2 protein (p.Glu233Val). The glutamic acid residue is highly conserved and there is a moderate physicochemical difference between glutamic acid and valine. This variant is not present in population databases (ExAC no frequency). This variant has not been reported in the literature in individuals with AXIN2-related conditions. Algorithms developed to predict the effect of missense changes on protein structure and function are either unavailable or do not agree on the potential impact of this missense change (SIFT: "Tolerated"; PolyPhen-2: "Probably Damaging"; Align-GVGD: "Class C0"). Algorithms developed to predict the effect of sequence changes on RNA splicing suggest that this variant may create or strengthen a splice site, but this prediction has not been confirmed by published transcriptional studies. In summary, the available evidence is currently insufficient to determine the role of this variant in disease. Therefore, it has been classified as a Variant of Uncertain Significance.

NM_004655.4(AXIN2):c.698A>T (p.Glu233Val)

Gene: AXIN2 (axin 2; minus strand). Cytogenetic location: 17q24.1.
Variant type: single nucleotide variant.
Coding change: c.698A>T on transcript NM_004655.4 (MANE Select); coding-DNA position 698, A replaced by T.
Protein change: p.Glu233Val; replaces glutamic acid 233 with valine.
Molecular consequence: missense variant.
Genome position (GRCh38, 1-based): chr17:65,557,923, T>A on the plus strand (A>T on the coding strand, the complement: AXIN2 is on the minus strand). VCF-style: chr17-65557923-T-A. GRCh37 (hg19) VCF-style: chr17-63554041-T-A.
Other names: c.698A>T, p.Glu233Val (NM_001363813.1); short protein forms E233V.
Identifiers: ClinVar variation 1497428 (VCV001497428.8), dbSNP rs2144582994, ClinGen allele CA400680461.